The following is an entry in ClinVar:

ClinVar aggregate classification (germline): Uncertain significance (1 of 4 stars; one submission).

Submission:

Labcorp Genetics (formerly Invitae), Labcorp
Classification: Uncertain significance. Last evaluated: 2025-10-03. Review status: criteria provided, single submitter. Criteria: Invitae Variant Classification Sherloc (09022015). Collection method: clinical testing. Allele origin: germline.
Comment: This sequence change replaces alanine, which is neutral and non-polar, with glycine, which is neutral and non-polar, at codon 267 of the CELF4 protein (p.Ala267Gly). This variant is not present in population databases (gnomAD no frequency). This variant has not been reported in the literature in individuals affected with CELF4-related conditions. An algorithm developed to predict the effect of missense changes on protein structure and function (PolyPhen-2) suggests that this variant is likely to be tolerated. In summary, the available evidence is currently insufficient to determine the role of this variant in disease. Therefore, it has been classified as a Variant of Uncertain Significance.

NM_020180.4(CELF4):c.800C>G (p.Ala267Gly)

Gene: CELF4 (CUGBP Elav-like family member 4; minus strand). Cytogenetic location: 18q12.2.
Variant type: single nucleotide variant.
Coding change: c.800C>G on transcript NM_020180.4 (MANE Select); coding-DNA position 800, C replaced by G.
Protein change: p.Ala267Gly; replaces alanine 267 with glycine.
Molecular consequence: missense variant. On other transcripts: non-coding transcript variant (11).
Genome position (GRCh38, 1-based): chr18:37,274,312, G>C on the plus strand (C>G on the coding strand, the complement: CELF4 is on the minus strand). VCF-style: chr18-37274312-G-C. GRCh37 (hg19) VCF-style: chr18-34854275-G-C.
Other names: c.800C>G, p.Ala267Gly (NM_001025087.2, NM_001353708.2, NM_001353723.2 and 11 more transcripts); c.797C>G, p.Ala266Gly (NM_001025088.2, NM_001330603.2, NM_001353696.2 and 12 more transcripts); c.770C>G, p.Ala257Gly (NM_001025089.2, NM_001353699.2, NM_001353700.2 and 12 more transcripts); c.767C>G, p.Ala256Gly (NM_001353695.2, NM_001353697.2, NM_001353705.2 and 16 more transcripts); c.428C>G, p.Ala143Gly (NM_001353756.2, NM_001353761.2); c.401C>G, p.Ala134Gly (NM_001353757.2, NM_001353760.2); c.398C>G, p.Ala133Gly (NM_001353758.2, NM_001353759.2); short protein forms A133G, A134G, A143G, A256G, A257G, A266G, A267G.
Identifiers: ClinVar variation 4804459 (VCV004804459.1).
Genomic context (GRCh38, chr18:37,274,312, plus strand): 5'-CTCTGAGGCTCCCAGGGGAGTGAGCTTGAGAACCGCTGCCCGTGCGCGCTGCCACTTACT[G>C]CCTGAGCGTAGGCGCCGTAGGCCCCGAAAGGGATGGCCATGGGGTTGAACATGCCCATCT-3'
Protein context (NP_064565.1, residues 257-277): PFGAYGAYAQ[Ala267Gly]LMQQQAALMA